The following is an entry in ClinVar:

ClinVar aggregate classification (germline): Conflicting classifications of pathogenicity. Review status: criteria provided, conflicting classifications (1 of 4 stars). 2 submissions from 2 submitters: Uncertain significance (1); Likely benign (1). Last evaluated 2022-01-12.

Conditions:
Inborn genetic diseases. Identifiers: MedGen C0950123, MeSH D030342.

Allele frequency attached by ClinVar (database versions not stated): ExAC 0.00001; gnomAD 0.00002 and 0.00003; TOPMed 0.00002; 1000 Genomes Project 0.00020; 1000 Genomes Project 30x 0.00031.
gnomAD v4.1: 5 of 1,614,052 alleles (0.00031%); highest among the groups gnomAD compares: Admixed American, 0.0067%; no homozygotes.

Submissions (2):

Ambry Genetics
Classification: Uncertain significance for Inborn genetic diseases. Last evaluated: 2022-01-12. Review status: criteria provided, single submitter. Criteria: Ambry Variant Classification Scheme 2023. Collection method: clinical testing. Allele origin: germline.

GeneDx
Classification: Likely benign. Last evaluated: 2021-06-15. Review status: criteria provided, single submitter. Criteria: GeneDx Variant Classification Process June 2021. Collection method: clinical testing. Allele origin: germline. Affected: yes.
Comment: Not observed at significant frequency in large population cohorts (Lek et al., 2016); In silico analysis supports that this missense variant does not alter protein structure/function; Has not been previously published as pathogenic or benign to our knowledge; This variant is associated with the following publications: (PMID: 27535533)

NM_006015.6(ARID1A):c.2881A>C (p.Met961Leu)

Gene: ARID1A (AT-rich interaction domain 1A; plus strand). Cytogenetic location: 1p36.11.
Variant type: single nucleotide variant.
Coding change: c.2881A>C on transcript NM_006015.6 (MANE Select); coding-DNA position 2881, A replaced by C.
Protein change: p.Met961Leu; replaces methionine 961 with leucine.
Molecular consequence: missense variant.
Genome position (GRCh38, 1-based): chr1:26,766,459, A>C. VCF-style: chr1-26766459-A-C. GRCh37 (hg19) VCF-style: chr1-27092950-A-C.
Other names: c.2881A>C, p.Met961Leu (NM_139135.4); short protein forms M961L.
Identifiers: ClinVar variation 1190267 (VCV001190267.5), dbSNP rs201899604, ClinGen allele CA707104.